The following is an entry in ClinVar:

NM_006059.4(LAMC3):c.4118C>T (p.Thr1373Met)

Gene: LAMC3 (laminin subunit gamma 3; plus strand). Cytogenetic location: 9q34.12.
Variant type: single nucleotide variant.
Coding change: c.4118C>T on transcript NM_006059.4 (MANE Select); coding-DNA position 4118, C replaced by T.
Protein change: p.Thr1373Met; replaces threonine 1373 with methionine.
Molecular consequence: missense variant.
Genome position (GRCh38, 1-based): chr9:131,085,611, C>T. VCF-style: chr9-131085611-C-T. GRCh37 (hg19) VCF-style: chr9-133960998-C-T.
Other names: short protein forms T1373M.
Identifiers: ClinVar variation 1934035 (VCV001934035.2), dbSNP rs763310139, ClinGen allele CA5288054.

ClinVar aggregate classification (germline): Uncertain significance (1 of 4 stars; one submission).

gnomAD v4.1: 4 of 1,614,132 alleles (0.00025%); highest among the groups gnomAD compares: South Asian, 0.0022%; no homozygotes.

Submission:

Labcorp Genetics (formerly Invitae), Labcorp
Classification: Uncertain significance. Last evaluated: 2022-07-16. Review status: criteria provided, single submitter. Criteria: Invitae Variant Classification Sherloc (09022015). Collection method: clinical testing. Allele origin: germline.
Comment: This sequence change replaces threonine, which is neutral and polar, with methionine, which is neutral and non-polar, at codon 1373 of the LAMC3 protein (p.Thr1373Met). This variant is present in population databases (rs763310139, gnomAD 0.003%). This variant has not been reported in the literature in individuals affected with LAMC3-related conditions. Algorithms developed to predict the effect of missense changes on protein structure and function output the following: SIFT: "Tolerated"; PolyPhen-2: "Benign"; Align-GVGD: "Class C0". The methionine amino acid residue is found in multiple mammalian species, which suggests that this missense change does not adversely affect protein function. In summary, the available evidence is currently insufficient to determine the role of this variant in disease. Therefore, it has been classified as a Variant of Uncertain Significance.